The following is an entry in ClinVar:

NM_001304438.2(TMEM132E):c.1688+10C>T

Gene: TMEM132E (transmembrane protein 132E; plus strand). Cytogenetic location: 17q12.
Variant type: single nucleotide variant.
Coding change: c.1688+10C>T on transcript NM_001304438.2 (MANE Select); 10 bases into the intron after coding-DNA position 1688, C replaced by T.
Molecular consequence: intron variant.
Genome position (GRCh38, 1-based): chr17:34,632,919, C>T. VCF-style: chr17-34632919-C-T. GRCh37 (hg19) VCF-style: chr17-32959938-C-T.
Identifiers: ClinVar variation 3353138 (VCV003353138.1).

ClinVar aggregate classification (germline): Likely benign (0 of 4 stars; one submission).

Conditions:
TMEM132E-related disorder. Also called: TMEM132E-related condition.

gnomAD v4.1: 8 of 1,613,836 alleles (0.0005%); highest among the groups gnomAD compares: African/African-American, 0.008%; no homozygotes.

Submission:

PreventionGenetics, part of Exact Sciences
Classification: Likely benign for TMEM132E-related condition. Last evaluated: 2019-03-04. Review status: no assertion criteria provided. Collection method: clinical testing. Allele origin: germline.
Comment: This variant is classified as likely benign based on ACMG/AMP sequence variant interpretation guidelines (Richards et al. 2015 PMID: 25741868, with internal and published modifications).